The following is an entry in ClinVar:

NM_033026.6(PCLO):c.6956C>T (p.Ala2319Val)

Gene: PCLO (piccolo presynaptic cytomatrix protein; minus strand). Cytogenetic location: 7q21.11.
Variant type: single nucleotide variant.
Coding change: c.6956C>T on transcript NM_033026.6 (MANE Select); coding-DNA position 6956, C replaced by T.
Protein change: p.Ala2319Val; replaces alanine 2319 with valine.
Molecular consequence: missense variant.
Genome position (GRCh38, 1-based): chr7:82,953,997, G>A on the plus strand (C>T on the coding strand, the complement: PCLO is on the minus strand). VCF-style: chr7-82953997-G-A. GRCh37 (hg19) VCF-style: chr7-82583313-G-A.
Other names: c.6956C>T, p.Ala2319Val (NM_014510.3); short protein forms A2319V.
Identifiers: ClinVar variation 2962096 (VCV002962096.3), dbSNP rs1795438518, ClinGen allele CA367917998.
Genomic context (GRCh38, chr7:82,953,997, plus strand): 5'-ACGGTTTCGGATAAGCTACTTTTTGTTCGTTCGGCCTCCAACTCCTTTTTATCTCTGTAA[G>A]CTTCCAAAACTTCCAGAATGATTCCATTCCCAGTTTCCTTCTTGGCTTTCTTCACTGGGT-3'
Protein context (NP_149015.2, residues 2309-2329): GNGIILEVLE[Ala2319Val]YRDKKELEAE

ClinVar aggregate classification (germline): Uncertain significance (1 of 4 stars; one submission).

Allele frequency attached by ClinVar (database versions not stated): gnomAD 0.00001; gnomAD exomes below 0.00001.
gnomAD v4.1: 2 of 1,613,814 alleles (0.00012%); highest among the groups gnomAD compares: Admixed American, 0.0017%; no homozygotes.

Submission:

Labcorp Genetics (formerly Invitae), Labcorp
Classification: Uncertain significance. Last evaluated: 2025-05-20. Review status: criteria provided, single submitter. Criteria: Invitae Variant Classification Sherloc (09022015). Collection method: clinical testing. Allele origin: germline.
Comment: This sequence change replaces alanine, which is neutral and non-polar, with valine, which is neutral and non-polar, at codon 2319 of the PCLO protein (p.Ala2319Val). This variant is not present in population databases (gnomAD no frequency). This variant has not been reported in the literature in individuals affected with PCLO-related conditions. ClinVar contains an entry for this variant (Variation ID: 2962096). Experimental studies and prediction algorithms are not available or were not evaluated, and the functional significance of this variant is currently unknown. In summary, the available evidence is currently insufficient to determine the role of this variant in disease. Therefore, it has been classified as a Variant of Uncertain Significance.